The following is an entry in ClinVar:

ClinVar aggregate classification (germline): Likely pathogenic (1 of 4 stars; one submission).

Allele frequency attached by ClinVar (database versions not stated): gnomAD 0.00001.
gnomAD v4.1: 1 of 1,613,932 alleles (0.000062%); highest among the groups gnomAD compares: Non-Finnish European, 0.000085%; no homozygotes.

Submission:

Labcorp Genetics (formerly Invitae), Labcorp
Classification: Likely pathogenic. Last evaluated: 2022-06-03. Review status: criteria provided, single submitter. Criteria: Invitae Variant Classification Sherloc (09022015). Collection method: clinical testing. Allele origin: germline.
Comment: This missense change has been observed in individual(s) with Usher syndrome (PMID: 27460420). Algorithms developed to predict the effect of missense changes on protein structure and function (SIFT, PolyPhen-2, Align-GVGD) all suggest that this variant is likely to be disruptive. This variant disrupts the p.Pro2241 amino acid residue in USH2A. Other variant(s) that disrupt this residue have been determined to be pathogenic (PMID: 25999674, 26927203, 27318125; Invitae). This suggests that this residue is clinically significant, and that variants that disrupt this residue are likely to be disease-causing. In summary, the currently available evidence indicates that the variant is pathogenic, but additional data are needed to prove that conclusively. Therefore, this variant has been classified as Likely Pathogenic. This variant is present in population databases (no rsID available, gnomAD 0.0009%). This sequence change replaces proline, which is neutral and non-polar, with threonine, which is neutral and polar, at codon 2241 of the USH2A protein (p.Pro2241Thr).

Literature cited by the submitters: PubMed 27460420; PubMed 25999674; PubMed 26927203; PubMed 27318125.

NM_206933.4(USH2A):c.6721C>A (p.Pro2241Thr)

Gene: USH2A (usherin; minus strand). Cytogenetic location: 1q41.
Variant type: single nucleotide variant.
Coding change: c.6721C>A on transcript NM_206933.4 (MANE Select); coding-DNA position 6721, C replaced by A.
Protein change: p.Pro2241Thr; replaces proline 2241 with threonine.
Molecular consequence: missense variant.
Genome position (GRCh38, 1-based): chr1:215,993,104, G>T on the plus strand (C>A on the coding strand, the complement: USH2A is on the minus strand). VCF-style: chr1-215993104-G-T. GRCh37 (hg19) VCF-style: chr1-216166446-G-T.
Other names: short protein forms P2241T.
Identifiers: ClinVar variation 2202955 (VCV002202955.4), dbSNP rs111033412, ClinGen allele CA344860457.